The following is an entry in ClinVar:

ClinVar aggregate classification (germline): Benign. Review status: criteria provided, multiple submitters, no conflicts (2 of 4 stars). 4 submissions from 4 submitters: Benign (4). Last evaluated 2024-07-15.

Conditions:
Autosomal recessive Alport syndrome (ATS2). Also called: COL4A3-Related Nephropathy; COL4A4 Alport Syndrome and Thin Basement Membrane Nephropathy; ALPORT SYNDROME 2, AUTOSOMAL RECESSIVE; Alport syndrome type 2. Identifiers: Orphanet 63, Orphanet 88919, MedGen C4746745, MONDO:0008762, OMIM 203780.

Allele frequency attached by ClinVar (database versions not stated): gnomAD exomes 0.61013 and 0.63325; gnomAD 0.64631 and 0.64675; ExAC 0.65243; TOPMed 0.65714; ESP Exome Variant Server 0.65763; 1000 Genomes Project 0.66653; 1000 Genomes Project 30x 0.66989.
gnomAD v4.1: 952,468 of 1,551,126 alleles (61%); highest among the groups gnomAD compares: African/African-American, 76%; 295,306 homozygotes.

Submissions (4):

Unidad de Genómica Garrahan, Hospital de Pediatría Garrahan
Classification: Benign. Last evaluated: 2024-07-15. Review status: criteria provided, single submitter. Criteria: ACMG Guidelines, 2015. Collection method: clinical testing. Allele origin: germline. Affected: no. Observed: 46 variant alleles.
Comment: This variant is classified as Benign based on local population frequency. This variant was detected in 49% of patients studied in a panel designed for Epileptic and Developmental Encephalopathy and Progressive Myoclonus Epilepsy. Number of patients: 46. Only high quality variants are reported.

Genome-Nilou Lab
Classification: Benign for Autosomal recessive Alport syndrome. Last evaluated: 2021-07-10. Review status: criteria provided, single submitter. Criteria: ACMG Guidelines, 2015. Collection method: clinical testing. Allele origin: germline. Affected: no.

GeneDx
Classification: Benign. Last evaluated: 2018-06-22. Review status: criteria provided, single submitter. Criteria: GeneDx Variant Classification Process June 2021. Collection method: clinical testing. Allele origin: germline. Affected: yes.

Breakthrough Genomics
Classification: Benign. Review status: criteria provided, single submitter. Criteria: ACMG Guidelines, 2015. Collection method: not provided. Allele origin: germline. Inheritance: Autosomal recessive inheritance. Affected: yes.

NM_000092.5(COL4A4):c.2545+51A>G

Gene: COL4A4 (collagen type IV alpha 4 chain; minus strand). Cytogenetic location: 2q36.3.
Variant type: single nucleotide variant.
Coding change: c.2545+51A>G on transcript NM_000092.5 (MANE Select); 51 bases into the intron after coding-DNA position 2545, A replaced by G.
Molecular consequence: intron variant.
Genome position (GRCh38, 1-based): chr2:227,057,388, T>C on the plus strand (A>G on the coding strand, the complement: COL4A4 is on the minus strand). VCF-style: chr2-227057388-T-C. GRCh37 (hg19) VCF-style: chr2-227922104-T-C.
Identifiers: ClinVar variation 1184735 (VCV001184735.8), dbSNP rs7567789, ClinGen allele CA2144782.